The following is an entry in ClinVar:

NM_170606.3(KMT2C):c.7472C>T (p.Thr2491Ile)

Gene: KMT2C (lysine methyltransferase 2C; minus strand). Cytogenetic location: 7q36.1.
Variant type: single nucleotide variant.
Coding change: c.7472C>T on transcript NM_170606.3 (MANE Select); coding-DNA position 7472, C replaced by T.
Protein change: p.Thr2491Ile; replaces threonine 2491 with isoleucine.
Molecular consequence: missense variant.
Genome position (GRCh38, 1-based): chr7:152,177,981, G>A on the plus strand (C>T on the coding strand, the complement: KMT2C is on the minus strand). VCF-style: chr7-152177981-G-A. GRCh37 (hg19) VCF-style: chr7-151875066-G-A.
Other names: short protein forms T2491I.
Identifiers: ClinVar variation 2492313 (VCV002492313.29), dbSNP rs367803873, ClinGen allele CA4579818.

ClinVar aggregate classification (germline): Likely benign. Review status: criteria provided, multiple submitters, no conflicts (2 of 4 stars). 3 submissions from 3 submitters: Likely benign (3). Last evaluated 2025-06-01.

Conditions:
Inborn genetic diseases. Identifiers: MedGen C0950123, MeSH D030342.

Allele frequency attached by ClinVar (database versions not stated): gnomAD exomes 0.00005; ExAC 0.00006; ESP Exome Variant Server 0.00008; gnomAD 0.00008.
gnomAD v4.1: 76 of 1,273,632 alleles (0.006%); highest among the groups gnomAD compares: Middle Eastern, 0.067%; no homozygotes.

Submissions (3):

CeGaT Center for Human Genetics Tuebingen
Classification: Likely benign. Last evaluated: 2025-06-01. Review status: criteria provided, single submitter. Criteria: CeGaT Center For Human Genetics Tuebingen Variant Classification Criteria Version 2. Collection method: clinical testing. Allele origin: germline. Affected: yes. Observed: 2 variant alleles.
Comment: KMT2C: BP4

Labcorp Genetics (formerly Invitae), Labcorp
Classification: Likely benign. Last evaluated: 2025-03-20. Review status: criteria provided, single submitter. Criteria: Invitae Variant Classification Sherloc (09022015). Collection method: clinical testing. Allele origin: germline.

Ambry Genetics
Classification: Likely benign for Inborn genetic diseases. Last evaluated: 2023-03-01. Review status: criteria provided, single submitter. Criteria: Ambry Variant Classification Scheme 2023. Collection method: clinical testing. Allele origin: germline.